The following is an entry in ClinVar:

ClinVar aggregate classification (germline): Conflicting classifications of pathogenicity. Review status: criteria provided, conflicting classifications (1 of 4 stars). 5 submissions from 5 submitters: Likely pathogenic (2); Uncertain significance (1); Likely benign (1). 1 of the submissions does not count toward it. Last evaluated 2022-08-15.

Conditions:
Autosomal recessive Robinow syndrome (RRS1). Also called: ROBINOW SYNDROME, AUTOSOMAL RECESSIVE 1; COSTOVERTEBRAL SEGMENTATION DEFECT WITH MESOMELIA; COVESDEM SYNDROME; ROR2-Related Robinow Syndrome. Identifiers: Orphanet 1507, Orphanet 97360, MedGen C5399974, MONDO:0009999, OMIM 268310.
ROR2-related disorder. Also called: ROR2-related condition; ROR2-related disorders.

Allele frequency attached by ClinVar (database versions not stated): gnomAD exomes below 0.00001; TOPMed below 0.00001.
gnomAD v4.1: 2 of 1,607,626 alleles (0.00012%); highest among the groups gnomAD compares: Non-Finnish European, 0.00017%; no homozygotes.

Submissions (5):

Blueprint Genetics
Classification: Likely pathogenic for ROR2-related disorders. Last evaluated: 2022-08-15. Review status: criteria provided, single submitter. Criteria: ACMG Guidelines, 2015. Collection method: clinical testing. Allele origin: germline. Affected: yes. Observed: 2 variant alleles.

Labcorp Genetics (formerly Invitae), Labcorp
Classification: Likely benign. Last evaluated: 2022-07-09. Review status: criteria provided, single submitter. Criteria: Invitae Variant Classification Sherloc (09022015). Collection method: clinical testing. Allele origin: germline.

GeneDx
Classification: Uncertain significance. Last evaluated: 2021-09-28. Review status: criteria provided, single submitter. Criteria: GeneDx Variant Classification Process June 2021. Collection method: clinical testing. Allele origin: germline. Affected: yes.
Comment: Not observed in large population cohorts (Lek et al., 2016); In-silico analysis, which includes splice predictors and evolutionary conservation, is inconclusive as to whether the variant alters gene splicing. In the absence of RNA/functional studies, the actual effect of this sequence change is unknown.; Has not been previously published as pathogenic or benign to our knowledge

Diagnostics Division, CENTRE FOR DNA FINGERPRINTING AND DIAGNOSTICS
Classification: Likely pathogenic for Autosomal recessive Robinow syndrome. Review status: criteria provided, single submitter. Criteria: ACMG Guidelines, 2015. Collection method: research. Allele origin: germline. Inheritance: Autosomal recessive inheritance. Affected: yes. Observed: 1 homozygote.

Lupski Lab, Baylor-Hopkins CMG, Baylor College of Medicine
Classification: Likely pathogenic for Autosomal recessive Robinow syndrome. Review status: no assertion criteria provided. Collection method: research. Allele origin: inherited, unknown. Affected: yes and no. Observed: 4 variant alleles. Not counted in ClinVar's aggregate classification.

NM_004560.4(ROR2):c.623-11G>A

Gene: ROR2 (ROR family WNT receptor 2; minus strand). Cytogenetic location: 9q22.31.
Variant type: single nucleotide variant.
Coding change: c.623-11G>A on transcript NM_004560.4 (MANE Select); 11 bases into the intron before coding-DNA position 623, G replaced by A.
Molecular consequence: intron variant.
Genome position (GRCh38, 1-based): chr9:91,733,447, C>T on the plus strand (G>A on the coding strand, the complement: ROR2 is on the minus strand). VCF-style: chr9-91733447-C-T. GRCh37 (hg19) VCF-style: chr9-94495729-C-T.
Other names: c.623-11G>A (NM_001318204.2).
Identifiers: ClinVar variation 983460 (VCV000983460.11), dbSNP rs1350375399, ClinGen allele CA653172855.